The following is an entry in ClinVar:

NM_001458.5(FLNC):c.1108A>G (p.Met370Val)

Gene: FLNC (filamin C; plus strand). Cytogenetic location: 7q32.1.
Variant type: single nucleotide variant.
Coding change: c.1108A>G on transcript NM_001458.5 (MANE Select); coding-DNA position 1108, A replaced by G.
Protein change: p.Met370Val; replaces methionine 370 with valine.
Molecular consequence: missense variant.
Genome position (GRCh38, 1-based): chr7:128,838,327, A>G. VCF-style: chr7-128838327-A-G. GRCh37 (hg19) VCF-style: chr7-128478381-A-G.
Other names: c.1108A>G, p.Met370Val (NM_001127487.2); short protein forms M370V.
Identifiers: ClinVar variation 572629 (VCV000572629.45), dbSNP rs370406338, ClinGen allele CA4474238.

ClinVar aggregate classification (germline): Conflicting classifications of pathogenicity. Review status: criteria provided, conflicting classifications (1 of 4 stars). 8 submissions from 8 submitters: Uncertain significance (2); Likely benign (6). Last evaluated 2026-01-19.

Conditions:
Distal myopathy with posterior leg and anterior hand involvement. Also called: WILLIAMS DISTAL MYOPATHY. Identifiers: Orphanet 63273, MedGen C3279722, MONDO:0013550, OMIM 614065.
Myofibrillar myopathy 5. Also called: Filaminopathy (type); FILAMINOPATHY, AUTOSOMAL DOMINANT. Identifiers: Orphanet 171445, MedGen C1836050, MONDO:0012289, OMIM 609524.
Hypertrophic cardiomyopathy 26. Also called: Cardiomyopathy, familial hypertrophic, 26. Identifiers: Orphanet 75249, MedGen C4310749, MONDO:0014883, OMIM 617047.
Cardiovascular phenotype. Identifiers: MedGen CN230736.
Primary dilated cardiomyopathy (DCM). Also called: Dilated Cardiomyopathy. Identifiers: Orphanet 217604, MedGen C0007193, MeSH D002311, MONDO:0005021, HP:0001644. Inheritance: Various modes of inheritance.

Allele frequency attached by ClinVar (database versions not stated): ExAC 0.00006; ESP Exome Variant Server 0.00008; gnomAD exomes 0.00010 and 0.00031; TOPMed 0.00013; gnomAD 0.00016.

Submissions (8):

Labcorp Genetics (formerly Invitae), Labcorp
Classification: Likely benign for Distal myopathy with posterior leg and anterior hand involvement; Myofibrillar myopathy 5; Hypertrophic cardiomyopathy 26. Last evaluated: 2026-01-19. Review status: criteria provided, single submitter. Criteria: Invitae Variant Classification Sherloc (09022015). Collection method: clinical testing. Allele origin: germline.

Revvity Omics, Revvity
Classification: Likely benign. Last evaluated: 2025-08-07. Review status: criteria provided, single submitter. Criteria: ACMG Guidelines, 2015. Collection method: clinical testing. Allele origin: germline.

Molecular Diagnostic Laboratory for Inherited Cardiovascular Disease, Montreal Heart Institute
Classification: Likely benign. Last evaluated: 2025-04-09. Review status: criteria provided, single submitter. Criteria: ACMG Guidelines, 2015. Collection method: clinical testing. Allele origin: germline. Affected: no.
Comment: BS1,BP4

Women's Health and Genetics/Laboratory Corporation of America, LabCorp
Classification: Likely benign. Last evaluated: 2025-03-24. Review status: criteria provided, single submitter. Criteria: LabCorp Variant Classification Summary - May 2015. Collection method: clinical testing. Allele origin: germline.
Comment: Variant summary: FLNC c.1108A>G (p.Met370Val) results in a conservative amino acid change in the encoded protein sequence. Four of five in-silico tools predict a benign effect of the variant on protein function. The variant allele was found at a frequency of 0.0001 in 249566 control chromosomes, predominantly at a frequency of 0.00022 within the Non-Finnish European subpopulation in the gnomAD database. The observed variant frequency within Non-Finnish European control individuals in the gnomAD database is approximately 28 fold of the estimated maximal expected allele frequency for a pathogenic variant in FLNC causing Dilated Cardiomyopathy phenotype (7.8e-06). To our knowledge, no experimental evidence demonstrating variant's impact on protein function has been reported. ClinVar contains an entry for this variant (Variation ID: 572629). Based on the evidence outlined above, the variant was classified as likely benign.

Blueprint Genetics
Classification: Likely benign. Last evaluated: 2024-09-17. Review status: criteria provided, single submitter. Criteria: ACMG Guidelines, 2015. Collection method: clinical testing. Allele origin: germline.

CeGaT Center for Human Genetics Tuebingen
Classification: Likely benign. Last evaluated: 2024-07-01. Review status: criteria provided, single submitter. Criteria: CeGaT Center For Human Genetics Tuebingen Variant Classification Criteria Version 2. Collection method: clinical testing. Allele origin: germline. Affected: yes. Observed: 2 variant alleles.
Comment: FLNC: BP4

Ambry Genetics
Classification: Uncertain significance for Cardiovascular phenotype. Last evaluated: 2024-01-10. Review status: criteria provided, single submitter. Criteria: Ambry Variant Classification Scheme 2023. Collection method: clinical testing. Allele origin: germline.
Comment: The p.M370V variant (also known as c.1108A>G), located in coding exon 7 of the FLNC gene, results from an A to G substitution at nucleotide position 1108. The methionine at codon 370 is replaced by valine, an amino acid with highly similar properties. This variant has been reported in frontotemporal dementia cohorts and in one control individual from a hypertrophic cardiomyopathy study; however, details of cardiovascular history were limited for these individuals (Janssens J et al. Acta Neuropathol Commun, 2015 Nov;3:68; G&oacute;mez J et al. Circ Cardiovasc Genet, 2017 Apr;10; Blauwendraat C et al. Genet Med, 2018 02;20:240-249). This amino acid position is not well conserved in available vertebrate species. In addition, this alteration is predicted to be tolerated by in silico analysis. Since supporting evidence is limited at this time, the clinical significance of this alteration remains unclear.

Victorian Clinical Genetics Services, Murdoch Childrens Research Institute
Classification: Uncertain significance for Primary dilated cardiomyopathy. Last evaluated: 2022-02-02. Review status: criteria provided, single submitter. Criteria: ACMG Guidelines, 2015. Collection method: clinical testing. Allele origin: germline. Inheritance: Autosomal dominant inheritance. Affected: yes.
Comment: Based on the classification scheme VCGS_Germline_v1.3.4, this variant is classified as VUS-3B. Following criteria are met: 0103 - Loss of function and gain of function are known mechanisms of disease in this gene. Loss of function is the established mechanism of disease for variants in dilated cardiomyopathy, hypertrophic cardiomyopathy, restrictive cardiomyopathy (MIM#617047) and myofibrillar myopathy (MIM#609524). In distal myopathy (MIM#614065), NMD-predicted variants cause a loss of function, however missense variants have been shown to result in a toxic gain of function (PMID:32112656). (I) 0107 - This gene is associated with autosomal dominant disease. Variants located throughout the gene that are predicted to result in nonsense-mediated decay (NMD) are enriched in dilated cardiomyopathy, whereas missense variants in the ROD2 domain are enriched in hypertrophic cardiomyopathy and restrictive cardiomyopathy (MIM#617047). Additionally, myofibrillar myopathy (MIM#609524) is known to result from either missense variants in the ROD2 domain or truncating variants in the Ig-like domain 24, while missense variants in the actin-binding domain and NMD-predicted variants located in the Ig-like domain 15 and have been reported for distal myopathy (MIM#614065) (PMID:32112656). (I) 0200 - Variant is predicted to result in a missense amino acid change from methionine to valine. (I) 0251 - This variant is heterozygous. (I) 0302 - Variant is present in gnomAD (v2) <0.001 for a dominant condition (31 heterozygotes, 0 homozygotes). (SP) 0502 - Missense variant with conflicting in silico predictions and uninformative conservation. (I) 0600 - Variant is located in the annotated filamin domain (NCBI). (I) 0705 - No comparable missense variants have previous evidence for pathogenicity. (I) 0808 - Previous reports of pathogenicity for this variant are conflicting. This variant has been reported once as VUS in ClinVar without clear phenotype and also has been seen in a control subject in a HCM study (PMID: 28356264). (I) 0905 - No published segregation evidence has been identified for this variant. (I) 1007 - No published functional evidence has been identified for this variant. (I) 1208 - Inheritance information for this variant is not currently available in this individual. (I) Legend: (SP) - Supporting pathogenic, (I) - Information, (SB) - Supporting benign

Literature cited by the submitters: PubMed 26555887 (cited by Ambry Genetics); PubMed 28356264 (cited by Ambry Genetics and Victorian Clinical Genetics Services, Murdoch Childrens Research Institute); PubMed 28749476 (cited by Ambry Genetics); PubMed 32112656 (cited by Victorian Clinical Genetics Services, Murdoch Childrens Research Institute).